The following is an entry in ClinVar:

ClinVar aggregate classification (germline): Pathogenic (1 of 4 stars; one submission).

Conditions:
RYR1-related disorder. Also called: RYR1-related disorders; RYR1-related condition. Identifiers: MedGen CN239331.

Submission:

Labcorp Genetics (formerly Invitae), Labcorp
Classification: Pathogenic for RYR1-related disorder. Last evaluated: 2019-05-30. Review status: criteria provided, single submitter. Criteria: Invitae Variant Classification Sherloc (09022015). Collection method: clinical testing. Allele origin: germline.
Comment: For these reasons, this variant has been classified as Pathogenic. This sequence change creates a premature translational stop signal (p.Leu3186Alafs*125) in the RYR1 gene. It is expected to result in an absent or disrupted protein product. This variant is not present in population databases (ExAC no frequency). This variant has not been reported in the literature in individuals with RYR1-related conditions. Loss-of-function variants in RYR1 are known to be pathogenic (PMID: 20583297, 20839240, 23919265, 28818389).

Literature cited by the submitters: PubMed 20583297; PubMed 20839240; PubMed 23919265; PubMed 28818389.

NM_000540.3(RYR1):c.9554dup (p.Leu3186fs)

Gene: RYR1 (ryanodine receptor 1; plus strand). Cytogenetic location: 19q13.2.
Variant type: Duplication.
Coding change: c.9554dup on transcript NM_000540.3 (MANE Select); coding-DNA position 9554, one base duplicated (A; older notation c.9554dupA).
Protein change: p.Leu3186fs; shifts the reading frame from leucine 3186.
Molecular consequence: frameshift variant.
Genome position (GRCh38, 1-based): chr19:38,515,107, A duplicated; the last of 4 consecutive A bases (chr19:38,515,104-38,515,107); duplicating any one gives the same sequence. VCF-style (leftmost placement, unchanged base first): chr19-38515103-G-GA. GRCh37 (hg19) VCF-style: chr19-39005743-G-GA.
Other names: c.9554dup, p.Leu3186fs (NM_001042723.2); short protein forms L3186fs.
Identifiers: ClinVar variation 935107 (VCV000935107.7), dbSNP rs1970900298, ClinGen allele CA1139666419.